The following is an entry in ClinVar:

ClinVar aggregate classification (germline): Benign/Likely benign. Review status: criteria provided, multiple submitters, no conflicts (2 of 4 stars). 3 submissions from 3 submitters: Benign (1); Likely benign (1). 1 of the submissions does not count toward it. Last evaluated 2025-01-09.

Conditions:
FMN1-related disorder. Also called: FMN1-related condition.

Allele frequency attached by ClinVar (database versions not stated): gnomAD exomes 0.00031; ExAC 0.00042; 1000 Genomes Project 0.00160; gnomAD 0.00164 and 0.00171; 1000 Genomes Project 30x 0.00172; TOPMed 0.00180.
gnomAD v4.1: 516 of 1,536,064 alleles (0.034%); highest among the groups gnomAD compares: African/African-American, 0.6%; 4 homozygotes.

Submissions (3):

Labcorp Genetics (formerly Invitae), Labcorp
Classification: Benign. Last evaluated: 2025-01-09. Review status: criteria provided, single submitter. Criteria: Invitae Variant Classification Sherloc (09022015). Collection method: clinical testing. Allele origin: germline.

CeGaT Center for Human Genetics Tuebingen
Classification: Likely benign. Last evaluated: 2022-11-01. Review status: criteria provided, single submitter. Criteria: CeGaT Center For Human Genetics Tuebingen Variant Classification Criteria Version 2. Collection method: clinical testing. Allele origin: germline. Affected: yes. Observed: 1 variant allele.
Comment: FMN1: BP4

PreventionGenetics, part of Exact Sciences
Classification: Likely benign for FMN1-related condition. Last evaluated: 2019-11-08. Review status: no assertion criteria provided. Collection method: clinical testing. Allele origin: germline. Not counted in ClinVar's aggregate classification.
Comment: This variant is classified as likely benign based on ACMG/AMP sequence variant interpretation guidelines (Richards et al. 2015 PMID: 25741868, with internal and published modifications).

NM_001277313.2(FMN1):c.848G>A (p.Arg283Lys)

Gene: FMN1 (formin 1; minus strand). Cytogenetic location: 15q13.3.
Variant type: single nucleotide variant.
Coding change: c.848G>A on transcript NM_001277313.2 (MANE Select); coding-DNA position 848, G replaced by A.
Protein change: p.Arg283Lys; replaces arginine 283 with lysine.
Molecular consequence: missense variant.
Genome position (GRCh38, 1-based): chr15:33,154,067, C>T on the plus strand (G>A on the coding strand, the complement: FMN1 is on the minus strand). VCF-style: chr15-33154067-C-T. GRCh37 (hg19) VCF-style: chr15-33446268-C-T.
Other names: c.848G>A, p.Arg283Lys (NM_001277314.2); c.848G>A (NM_001277313.1); short protein forms R283K.
Identifiers: ClinVar variation 1170247 (VCV001170247.32), dbSNP rs567138390, ClinGen allele CA7457563.